The following is an entry in ClinVar:

ClinVar aggregate classification (germline): Benign/Likely benign. Review status: criteria provided, multiple submitters, no conflicts (2 of 4 stars). 13 submissions from 13 submitters: Benign (6); Likely benign (2). 5 of the submissions do not count toward it. Last evaluated 2026-02-04.

Conditions:
Hereditary spastic paraplegia. Also called: Familial spastic paraparesis. Identifiers: Orphanet 685, MedGen C0037773, MONDO:0019064. Disease mechanism: loss of function.
Charlevoix-Saguenay spastic ataxia (SACS). Also called: SPASTIC ATAXIA 6, AUTOSOMAL RECESSIVE; AUTOSOMAL RECESSIVE SPASTIC ATAXIA OF CHARLEVOIX-SAGUENAY; Spastic ataxia of Charlevoix-Saguenay. Identifiers: Orphanet 98, MedGen C1849140, MONDO:0010041, OMIM 270550.
Spastic paraplegia. Identifiers: MedGen C0037772, HP:0001258.

Allele frequency attached by ClinVar (database versions not stated): 1000 Genomes Project 30x 0.33682; 1000 Genomes Project 0.33866; ESP Exome Variant Server 0.35018; TOPMed 0.35750; gnomAD 0.36123 and 0.36315; ExAC 0.40607; gnomAD exomes 0.43592.
gnomAD v4.1: 691,870 of 1,613,544 alleles (43%); highest among the groups gnomAD compares: Non-Finnish European, 45%; 152,040 homozygotes.

Submissions (13):

Labcorp Genetics (formerly Invitae), Labcorp
Classification: Benign for Spastic paraplegia. Last evaluated: 2026-02-04. Review status: criteria provided, single submitter. Criteria: Invitae Variant Classification Sherloc (09022015). Collection method: clinical testing. Allele origin: germline.

Blueprint Genetics
Classification: Likely benign. Last evaluated: 2024-11-27. Review status: criteria provided, single submitter. Criteria: ACMG Guidelines, 2015. Collection method: clinical testing. Allele origin: germline.

Genome-Nilou Lab
Classification: Benign for Charlevoix-Saguenay spastic ataxia. Last evaluated: 2021-07-01. Review status: criteria provided, single submitter. Criteria: ACMG Guidelines, 2015. Collection method: clinical testing. Allele origin: germline. Affected: no.

Athena Diagnostics
Classification: Benign. Last evaluated: 2019-09-04. Review status: criteria provided, single submitter. Criteria: Athena Diagnostics Criteria. Collection method: clinical testing. Allele origin: unknown.

GeneDx
Classification: Benign. Last evaluated: 2018-07-05. Review status: criteria provided, single submitter. Criteria: GeneDx Variant Classification Process June 2021. Collection method: clinical testing. Allele origin: germline. Affected: yes.

Genome Diagnostics Laboratory, The Hospital for Sick Children
Classification: Benign for Hereditary spastic paraplegia. Last evaluated: 2016-12-12. Review status: criteria provided, single submitter. Criteria: ACMG Guidelines, 2015. Collection method: clinical testing. Allele origin: germline. Affected: yes.

Breakthrough Genomics
Classification: Likely benign. Review status: criteria provided, single submitter. Criteria: ACMG Guidelines, 2015. Collection method: not provided. Allele origin: germline. Inheritance: Autosomal recessive inheritance. Affected: yes.

PreventionGenetics, part of Exact Sciences
Classification: Benign. Review status: criteria provided, single submitter. Criteria: ACMG Guidelines, 2015. Collection method: clinical testing. Allele origin: germline.

Natera, Inc.
Classification: Benign for Charlevoix-Saguenay type spastic ataxia. Last evaluated: 2019-11-19. Review status: no assertion criteria provided. Collection method: clinical testing. Allele origin: germline. Not counted in ClinVar's aggregate classification.

Mayo Clinic Laboratories, Mayo Clinic
Classification: Benign. Last evaluated: 2016-02-19. Review status: no assertion criteria provided. Collection method: clinical testing. Allele origin: unknown. Not counted in ClinVar's aggregate classification.

Clinical Genetics DNA and cytogenetics Diagnostics Lab, Erasmus MC, Erasmus Medical Center
Classification: Benign. Review status: no assertion criteria provided. Collection method: clinical testing. Allele origin: germline. Affected: yes. Study: VKGL Data-share Consensus. Not counted in ClinVar's aggregate classification.

Genetic Services Laboratory, University of Chicago
Classification: Likely benign for AllHighlyPenetrant. Review status: no assertion criteria provided. Collection method: clinical testing. Allele origin: germline. Inheritance: Autosomal recessive inheritance. Not counted in ClinVar's aggregate classification.
Comment: Likely benign based on allele frequency in 1000 Genomes Project or ESP global frequency and its presence in a patient with a rare or unrelated disease phenotype. NOT Sanger confirmed.

Joint Genome Diagnostic Labs from Nijmegen and Maastricht, Radboudumc and MUMC+
Classification: Benign. Review status: no assertion criteria provided. Collection method: clinical testing. Allele origin: germline. Affected: yes. Study: VKGL Data-share Consensus. Not counted in ClinVar's aggregate classification.

NM_014363.6(SACS):c.9981T>C (p.Ala3327=)

Gene: SACS (sacsin molecular chaperone; minus strand). Cytogenetic location: 13q12.12.
Variant type: single nucleotide variant.
Coding change: c.9981T>C on transcript NM_014363.6 (MANE Select); coding-DNA position 9981, T replaced by C.
Protein change: p.Ala3327=; no amino-acid change (alanine 3327 retained).
Molecular consequence: synonymous variant.
Genome position (GRCh38, 1-based): chr13:23,333,895, A>G on the plus strand (T>C on the coding strand, the complement: SACS is on the minus strand). VCF-style: chr13-23333895-A-G. GRCh37 (hg19) VCF-style: chr13-23908034-A-G.
Other names: c.9540T>C, p.Ala3180= (NM_001278055.2).
Identifiers: ClinVar variation 130206 (VCV000130206.40), dbSNP rs2737700, ClinGen allele CA155050.